The following is an entry in ClinVar:

NM_030761.5(WNT4):c.697G>A (p.Ala233Thr)

Gene: WNT4 (Wnt family member 4; minus strand). Cytogenetic location: 1p36.12.
Variant type: single nucleotide variant.
Coding change: c.697G>A on transcript NM_030761.5 (MANE Select); coding-DNA position 697, G replaced by A.
Protein change: p.Ala233Thr; replaces alanine 233 with threonine.
Molecular consequence: missense variant.
Genome position (GRCh38, 1-based): chr1:22,120,409, C>T on the plus strand (G>A on the coding strand, the complement: WNT4 is on the minus strand). VCF-style: chr1-22120409-C-T. GRCh37 (hg19) VCF-style: chr1-22446902-C-T.
Other names: short protein forms A233T.
Identifiers: ClinVar variation 3580621 (VCV003580621.3).

ClinVar aggregate classification (germline): Conflicting classifications of pathogenicity. Review status: criteria provided, conflicting classifications (1 of 4 stars). 2 submissions from 2 submitters: Uncertain significance (1); Likely benign (1). Last evaluated 2025-10-21.

Conditions:
Mullerian aplasia and hyperandrogenism. Also called: MULLERIAN DUCT FAILURE AND HYPERANDROGENISM. Identifiers: Orphanet 247768, MedGen C2675014, MONDO:0008019, OMIM 158330.
SERKAL syndrome (SERKAL). Also called: 46,XX SEX REVERSAL WITH DYSGENESIS OF KIDNEYS, ADRENALS, AND LUNGS. Identifiers: Orphanet 139466, MedGen C2678492, MONDO:0012734, OMIM 611812.

gnomAD v4.1: 97 of 1,613,986 alleles (0.006%); highest among the groups gnomAD compares: African/African-American, 0.11%; no homozygotes.

Submissions (2):

Labcorp Genetics (formerly Invitae), Labcorp
Classification: Uncertain significance. Last evaluated: 2025-10-21. Review status: criteria provided, single submitter. Criteria: Invitae Variant Classification Sherloc (09022015). Collection method: clinical testing. Allele origin: germline.
Comment: This sequence change replaces alanine, which is neutral and non-polar, with threonine, which is neutral and polar, at codon 233 of the WNT4 protein (p.Ala233Thr). This variant is present in population databases (rs41441349, gnomAD 0.1%), and has an allele count higher than expected for a pathogenic variant. This missense change has been observed in individual(s) with primary amenorrhea and hyperandrogenism (PMID: 21377155). ClinVar contains an entry for this variant (Variation ID: 3580621). Invitae Evidence Modeling of protein sequence and biophysical properties (such as structural, functional, and spatial information, amino acid conservation, physicochemical variation, residue mobility, and thermodynamic stability) indicates that this missense variant is not expected to disrupt WNT4 protein function with a negative predictive value of 80%. Experimental studies have shown that this missense change affects WNT4 function (PMID: 21377155). In summary, the available evidence is currently insufficient to determine the role of this variant in disease. Therefore, it has been classified as a Variant of Uncertain Significance.

Fulgent Genetics
Classification: Likely benign for Mullerian aplasia and hyperandrogenism; SERKAL syndrome. Last evaluated: 2024-03-13. Review status: criteria provided, single submitter. Criteria: ACMG Guidelines, 2015. Collection method: clinical testing. Allele origin: germline.

Literature cited by the submitters: PubMed 21377155 (cited by Labcorp Genetics (formerly Invitae), Labcorp).